The following is an entry in ClinVar:

NM_198578.4(LRRK2):c.4721A>G (p.His1574Arg)

Gene: LRRK2 (leucine rich repeat kinase 2; plus strand). Cytogenetic location: 12q12.
Variant type: single nucleotide variant.
Coding change: c.4721A>G on transcript NM_198578.4 (MANE Select); coding-DNA position 4721, A replaced by G.
Protein change: p.His1574Arg; replaces histidine 1574 with arginine.
Molecular consequence: missense variant.
Genome position (GRCh38, 1-based): chr12:40,314,156, A>G. VCF-style: chr12-40314156-A-G. GRCh37 (hg19) VCF-style: chr12-40707958-A-G.
Other names: short protein forms H1574R.
Identifiers: ClinVar variation 1742665 (VCV001742665.2), dbSNP rs771967514, ClinGen allele CA384419129.

ClinVar aggregate classification (germline): Uncertain significance (1 of 4 stars; one submission).

Conditions:
Inborn genetic diseases. Identifiers: MedGen C0950123, MeSH D030342.

gnomAD v4.1: 1 of 1,612,414 alleles (0.000062%); highest among the groups gnomAD compares: Non-Finnish European, 0.000085%; no homozygotes.

Submission:

Ambry Genetics
Classification: Uncertain significance for Inborn genetic diseases. Last evaluated: 2021-08-13. Review status: criteria provided, single submitter. Criteria: Ambry Variant Classification Scheme 2023. Collection method: clinical testing. Allele origin: germline.
Comment: The p.H1574R variant (also known as c.4721A>G), located in coding exon 32 of the LRRK2 gene, results from an A to G substitution at nucleotide position 4721. The histidine at codon 1574 is replaced by arginine, an amino acid with highly similar properties. This amino acid position is conserved. In addition, this alteration is predicted to be deleterious by in silico analysis. Since supporting evidence is limited at this time, the clinical significance of this alteration remains unclear.